The following is an entry in ClinVar:

NM_001735.3(C5):c.4714A>G (p.Asn1572Asp)

Gene: C5 (complement C5; minus strand). Cytogenetic location: 9q33.2.
Variant type: single nucleotide variant.
Coding change: c.4714A>G on transcript NM_001735.3 (MANE Select); coding-DNA position 4714, A replaced by G.
Protein change: p.Asn1572Asp; replaces asparagine 1572 with aspartic acid.
Molecular consequence: missense variant.
Genome position (GRCh38, 1-based): chr9:120,957,333, T>C on the plus strand (A>G on the coding strand, the complement: C5 is on the minus strand). VCF-style: chr9-120957333-T-C. GRCh37 (hg19) VCF-style: chr9-123719611-T-C.
Other names: c.4732A>G, p.Asn1578Asp (NM_001317163.2); short protein forms N1572D, N1578D.
Identifiers: ClinVar variation 2109036 (VCV002109036.5), dbSNP rs1387994187, ClinGen allele CA374741544.

ClinVar aggregate classification (germline): Uncertain significance. Review status: criteria provided, multiple submitters, no conflicts (2 of 4 stars). 2 submissions from 2 submitters: Uncertain significance (2). Last evaluated 2025-07-13.

Allele frequency attached by ClinVar (database versions not stated): gnomAD exomes below 0.00001.
gnomAD v4.1: 2 of 1,613,214 alleles (0.00012%); highest among the groups gnomAD compares: East Asian, 0.0022%; no homozygotes.

Submissions (2):

Ambry Genetics
Classification: Uncertain significance. Last evaluated: 2025-07-13. Review status: criteria provided, single submitter. Criteria: Ambry Variant Classification Scheme 2023. Collection method: clinical testing. Allele origin: germline.

Labcorp Genetics (formerly Invitae), Labcorp
Classification: Uncertain significance. Last evaluated: 2024-06-17. Review status: criteria provided, single submitter. Criteria: Invitae Variant Classification Sherloc (09022015). Collection method: clinical testing. Allele origin: germline.
Comment: This sequence change replaces asparagine, which is neutral and polar, with aspartic acid, which is acidic and polar, at codon 1572 of the C5 protein (p.Asn1572Asp). This variant is present in population databases (no rsID available, gnomAD 0.006%). This variant has not been reported in the literature in individuals affected with C5-related conditions. ClinVar contains an entry for this variant (Variation ID: 2109036). Advanced modeling of protein sequence and biophysical properties (such as structural, functional, and spatial information, amino acid conservation, physicochemical variation, residue mobility, and thermodynamic stability) performed at Invitae indicates that this missense variant is not expected to disrupt C5 protein function with a negative predictive value of 80%. In summary, the available evidence is currently insufficient to determine the role of this variant in disease. Therefore, it has been classified as a Variant of Uncertain Significance.